The following is an entry in ClinVar:

NM_001382567.1(STIM1):c.1819C>A (p.Pro607Thr)

Genes: STIM1 (stromal interaction molecule 1; plus strand), LOC124418421 (Sharpr-MPRA regulatory region 9588; plus strand). Cytogenetic location: 11p15.4.
Variant type: single nucleotide variant.
Coding change: c.1819C>A on transcript NM_001382567.1 (MANE Select); coding-DNA position 1819, C replaced by A.
Protein change: p.Pro607Thr; replaces proline 607 with threonine.
Molecular consequence: missense variant. On other transcripts: 3 prime UTR variant (4), non-coding transcript variant (3).
Genome position (GRCh38, 1-based): chr11:4,091,466, C>A. VCF-style: chr11-4091466-C-A. GRCh37 (hg19) VCF-style: chr11-4112696-C-A.
Other names: c.1822C>A, p.Pro608Thr (NM_001382566.1); c.1747C>A, p.Pro583Thr (NM_001382568.1); c.1591C>A, p.Pro531Thr (NM_001382569.1); c.1498C>A, p.Pro500Thr (NM_001382570.1); c.1246C>A, p.Pro416Thr (NM_001382571.1); c.1504C>A, p.Pro502Thr (NM_001382575.1, NM_001382576.1, NM_001382577.1); c.*140C>A (NM_001382578.1, NM_001382579.1, NM_001382580.1 and 1 more transcripts); c.1237C>A, p.Pro413Thr (NM_001382581.1); and 2 more; short protein forms P413T, P416T, P500T, P502T, P531T, P576T, P583T, P607T.
Identifiers: ClinVar variation 4535610 (VCV004535610.1).

ClinVar aggregate classification (germline): Uncertain significance (1 of 4 stars; one submission).

Submission:

Women's Health and Genetics/Laboratory Corporation of America, LabCorp
Classification: Uncertain significance. Last evaluated: 2025-09-10. Review status: criteria provided, single submitter. Criteria: LabCorp Variant Classification Summary - May 2015. Collection method: clinical testing. Allele origin: germline.
Comment: Variant summary: STIM1 c.1726C>A (p.Pro576Thr) results in a non-conservative amino acid change in the encoded protein sequence. Algorithms developed to predict the effect of missense changes on protein structure and function are either unavailable or do not agree on the potential impact of this missense change. The variant was absent in 251346 control chromosomes. The available data on variant occurrences in the general population are insufficient to allow any conclusion about variant significance. To our knowledge, no occurrence of c.1726C>A in individuals affected with STIM1-related conditions and no experimental evidence demonstrating its impact on protein function have been reported. No submitters have cited clinical-significance assessments for this variant to ClinVar. Based on the evidence outlined above, the variant was classified as uncertain significance.